The following is an entry in ClinVar:

NM_020778.5(ALPK3):c.3642C>A (p.Ser1214=)

Gene: ALPK3 (alpha kinase 3; plus strand). Cytogenetic location: 15q25.3.
Variant type: single nucleotide variant.
Coding change: c.3642C>A on transcript NM_020778.5 (MANE Select); coding-DNA position 3642, C replaced by A.
Protein change: p.Ser1214=; no amino-acid change (serine 1214 retained).
Molecular consequence: synonymous variant.
Genome position (GRCh38, 1-based): chr15:84,858,380, C>A. VCF-style: chr15-84858380-C-A. GRCh37 (hg19) VCF-style: chr15-85401611-C-A.
Other names: p.Ser1416=.
Identifiers: ClinVar variation 1183937 (VCV001183937.13), dbSNP rs774275671, ClinGen allele CA7709685.
Genomic context (GRCh38, chr15:84,858,380, plus strand): 5'-GGGGCCCAGGAAAAGCCTGGTGCCTGGGTCCCCAGGGACTCCAGGGCGGGAGAGACGCTC[C>A]CCTACGCAGGGCAGAAAGGCGAGCATGCTGGAGGTGCCTCGGGCAGAGGAGGAGCTGGCG-3'
Protein context (NP_065829.4, residues 1204-1224): SPGTPGRERR[Ser1214=]PTQGRKASML

ClinVar aggregate classification (germline): Likely benign. Review status: criteria provided, multiple submitters, no conflicts (2 of 4 stars). 7 submissions from 7 submitters: Likely benign (7). Last evaluated 2026-01-26.

Conditions:
Cardiovascular phenotype. Identifiers: MedGen CN230736.
ALPK3-related disorder. Also called: ALPK3-related condition.

Allele frequency attached by ClinVar (database versions not stated): ExAC 0.00010; gnomAD 0.00015 and 0.00016; TOPMed 0.00019.
gnomAD v4.1: 35 of 1,554,032 alleles (0.0023%); highest among the groups gnomAD compares: African/African-American, 0.044%; no homozygotes.

Submissions (7):

Labcorp Genetics (formerly Invitae), Labcorp
Classification: Likely benign. Last evaluated: 2026-01-26. Review status: criteria provided, single submitter. Criteria: Invitae Variant Classification Sherloc (09022015). Collection method: clinical testing. Allele origin: germline.

PreventionGenetics, part of Exact Sciences
Classification: Likely benign for ALPK3-related condition. Last evaluated: 2025-06-18. Review status: criteria provided, single submitter. Criteria: ACMG Guidelines, 2015. Collection method: clinical testing. Allele origin: germline.
Comment: This variant is classified as likely benign based on ACMG/AMP sequence variant interpretation guidelines (Richards et al. 2015 PMID: 25741868, with internal and published modifications).

Molecular Diagnostic Laboratory for Inherited Cardiovascular Disease, Montreal Heart Institute
Classification: Likely benign. Last evaluated: 2025-04-09. Review status: criteria provided, single submitter. Criteria: ACMG Guidelines, 2015. Collection method: clinical testing. Allele origin: germline. Affected: no.

Mayo Clinic Laboratories, Mayo Clinic
Classification: Likely benign. Last evaluated: 2025-02-28. Review status: criteria provided, single submitter. Criteria: ACMG Guidelines, 2015. Collection method: clinical testing. Allele origin: germline. Observed: 1 variant allele.
Comment: BP4, BP7

Women's Health and Genetics/Laboratory Corporation of America, LabCorp
Classification: Likely benign. Last evaluated: 2025-02-10. Review status: criteria provided, single submitter. Criteria: LabCorp Variant Classification Summary - May 2015. Collection method: clinical testing. Allele origin: germline.

GeneDx
Classification: Likely benign. Last evaluated: 2019-11-13. Review status: criteria provided, single submitter. Criteria: GeneDx Variant Classification Process June 2021. Collection method: clinical testing. Allele origin: germline. Affected: yes.

Ambry Genetics
Classification: Likely benign for Cardiovascular phenotype. Last evaluated: 2019-09-29. Review status: criteria provided, single submitter. Criteria: Ambry Variant Classification Scheme 2023. Collection method: clinical testing. Allele origin: germline.